The following is an entry in ClinVar:

NM_002032.3(FTH1):c.298_299delinsAA (p.Ala100Lys)

Genes: BEST1 (bestrophin 1; plus strand), FTH1 (ferritin heavy chain 1; minus strand). Cytogenetic location: 11q12.3.
Variant type: Indel.
Coding change: c.298_299delinsAA on transcript NM_002032.3 (MANE Select); coding-DNA positions 298 to 299, GC replaced by AA.
Protein change: p.Ala100Lys; replaces alanine 100 with lysine.
Molecular consequence: missense variant.
Genome position (GRCh38, 1-based): chr11:61,965,075-61,965,076, GC replaced by TT on the plus strand (GC replaced by AA on the coding strand, the reverse complement: FTH1 is on the minus strand). VCF-style: chr11-61965075-GC-TT. GRCh37 (hg19) VCF-style: chr11-61732547-GC-TT.
Other names: short protein forms A100K.
Identifiers: ClinVar variation 2050429 (VCV002050429.4), dbSNP rs2541428921, ClinGen allele CA2580084374.

ClinVar aggregate classification (germline): Uncertain significance (1 of 4 stars; one submission).

Submission:

Labcorp Genetics (formerly Invitae), Labcorp
Classification: Uncertain significance. Last evaluated: 2022-09-26. Review status: criteria provided, single submitter. Criteria: Invitae Variant Classification Sherloc (09022015). Collection method: clinical testing. Allele origin: germline.
Comment: This sequence change replaces alanine, which is neutral and non-polar, with lysine, which is basic and polar, at codon 100 of the FTH1 protein (p.Ala100Lys). The frequency data for this variant in the population databases is considered unreliable, as metrics indicate poor data quality at this position in the gnomAD database. This variant has not been reported in the literature in individuals affected with FTH1-related conditions. Algorithms developed to predict the effect of missense changes on protein structure and function are either unavailable or do not agree on the potential impact of this missense change (SIFT: "Not Available"; PolyPhen-2: "Probably Damaging"; Align-GVGD: "Not Available"). In summary, the available evidence is currently insufficient to determine the role of this variant in disease. Therefore, it has been classified as a Variant of Uncertain Significance.